The following is an entry in ClinVar:

ClinVar aggregate classification (germline): Uncertain significance (1 of 4 stars; one submission).

Conditions:
Amyotrophic lateral sclerosis type 1 (ALS1). Also called: AMYOTROPHIC LATERAL SCLEROSIS 1, FAMILIAL. Identifiers: Orphanet 803, MedGen C1862939, MONDO:0007103, OMIM 105400.
Neuronopathy, distal hereditary motor, type 7B. Also called: HMN VIIB; LOWER MOTOR NEURON DISEASE, DYNACTIN TYPE; NEURONOPATHY, DISTAL HEREDITARY MOTOR, AUTOSOMAL DOMINANT 14; NEURONOPATHY, DISTAL HEREDITARY MOTOR, HARDING TYPE VIIB; NEUROPATHY, DISTAL HEREDITARY MOTOR, HARDING TYPE VIIB; NEUROPATHY, DISTAL HEREDITARY MOTOR, WITH VOCAL CORD PARALYSIS, HARDING TYPE VIIB. Identifiers: Orphanet 139589, MedGen C1843315, MONDO:0011879, OMIM 607641.
Perry syndrome. Also called: PARKINSONISM WITH ALVEOLAR HYPOVENTILATION AND MENTAL DEPRESSION. Identifiers: Orphanet 178509, MedGen C1868594, MONDO:0008201, OMIM 168605.

Submission:

Labcorp Genetics (formerly Invitae), Labcorp
Classification: Uncertain significance for Amyotrophic lateral sclerosis type 1; Neuronopathy, distal hereditary motor, type 7B; Perry syndrome. Last evaluated: 2024-06-01. Review status: criteria provided, single submitter. Criteria: Invitae Variant Classification Sherloc (09022015). Collection method: clinical testing. Allele origin: germline.
Comment: This sequence change replaces tyrosine, which is neutral and polar, with serine, which is neutral and polar, at codon 293 of the DCTN1 protein (p.Tyr293Ser). This variant is not present in population databases (gnomAD no frequency). This variant has not been reported in the literature in individuals affected with DCTN1-related conditions. Advanced modeling of protein sequence and biophysical properties (such as structural, functional, and spatial information, amino acid conservation, physicochemical variation, residue mobility, and thermodynamic stability) performed at Invitae indicates that this missense variant is expected to disrupt DCTN1 protein function with a positive predictive value of 80%. In summary, the available evidence is currently insufficient to determine the role of this variant in disease. Therefore, it has been classified as a Variant of Uncertain Significance.

NM_004082.5(DCTN1):c.878A>C (p.Tyr293Ser)

Gene: DCTN1 (dynactin subunit 1; minus strand). Cytogenetic location: 2p13.1.
Variant type: single nucleotide variant.
Coding change: c.878A>C on transcript NM_004082.5 (MANE Select); coding-DNA position 878, A replaced by C.
Protein change: p.Tyr293Ser; replaces tyrosine 293 with serine.
Molecular consequence: missense variant. On other transcripts: non-coding transcript variant (1).
Genome position (GRCh38, 1-based): chr2:74,370,791, T>G on the plus strand (A>C on the coding strand, the complement: DCTN1 is on the minus strand). VCF-style: chr2-74370791-T-G. GRCh37 (hg19) VCF-style: chr2-74597918-T-G.
Other names: c.818A>C, p.Tyr273Ser (NM_001135040.3); c.476A>C, p.Tyr159Ser (NM_001135041.3, NM_023019.4); c.767A>C, p.Tyr256Ser (NM_001190836.2); c.857A>C, p.Tyr286Ser (NM_001190837.2); c.827A>C, p.Tyr276Ser (NM_001378991.1); c.809A>C, p.Tyr270Ser (NM_001378992.1); short protein forms Y159S, Y256S, Y270S, Y273S, Y276S, Y286S, Y293S.
Identifiers: ClinVar variation 3756627 (VCV003756627.2).